The following is an entry in ClinVar:

NM_001382.4(DPAGT1):c.330C>T (p.Phe110=)

Gene: DPAGT1 (dolichyl-phosphate N-acetylglucosaminephosphotransferase 1; minus strand). Cytogenetic location: 11q23.3.
Variant type: single nucleotide variant.
Coding change: c.330C>T on transcript NM_001382.4 (MANE Select); coding-DNA position 330, C replaced by T.
Protein change: p.Phe110=; no amino-acid change (phenylalanine 110 retained).
Molecular consequence: synonymous variant.
Genome position (GRCh38, 1-based): chr11:119,100,796, G>A on the plus strand (C>T on the coding strand, the complement: DPAGT1 is on the minus strand). VCF-style: chr11-119100796-G-A. GRCh37 (hg19) VCF-style: chr11-118971506-G-A.
Identifiers: ClinVar variation 540462 (VCV000540462.32), dbSNP rs199994118, ClinGen allele CA6314657.
Genomic context (GRCh38, chr11:119,100,796, plus strand): 5'-TGTAGGTAGCAGCAGCTTATGGCGCCAGCGCAGATTCAGTACATCATCCGCAAAGCCCAG[G>A]AAGATCATGCAGCAGATGGCAAGGAGGGCACCTATCAGGGCCACAAACTGGGGGAGGCTC-3'
Protein context (NP_001373.2, residues 100-120): GALLAICCMI[Phe110=]LGFADDVLNL

ClinVar aggregate classification (germline): Conflicting classifications of pathogenicity. Review status: criteria provided, conflicting classifications (1 of 4 stars). 5 submissions from 5 submitters: Uncertain significance (1); Likely benign (3). 1 of the submissions does not count toward it. Last evaluated 2025-12-24.

Conditions:
DPAGT1-congenital disorder of glycosylation. Also called: CONGENITAL DISORDER OF GLYCOSYLATION, TYPE Ij; DPAGT1-CDG; CDG Ij. Identifiers: Orphanet 86309, MedGen C2931004, MONDO:0011964, OMIM 608093.
DPAGT1-related disorder. Also called: DPAGT1-related condition.
Congenital myasthenic syndrome 13 (CMS13). Also called: Myasthenic syndrome, congenital, with tubular aggregates 2; Myasthenic syndrome, congenital, 13, with tubular aggregates. Identifiers: Orphanet 353327, Orphanet 590, MedGen C3553645, MONDO:0013883, OMIM 614750.

Allele frequency attached by ClinVar (database versions not stated): gnomAD 0.00035 and 0.00061; ExAC 0.00036; gnomAD exomes 0.00039 and 0.00059; ESP Exome Variant Server 0.00046; TOPMed 0.00074.
gnomAD v4.1: 959 of 1,614,114 alleles (0.059%); highest among the groups gnomAD compares: Non-Finnish European, 0.067%; no homozygotes.

Submissions (5):

Labcorp Genetics (formerly Invitae), Labcorp
Classification: Likely benign for Congenital myasthenic syndrome 13; DPAGT1-congenital disorder of glycosylation. Last evaluated: 2025-12-24. Review status: criteria provided, single submitter. Criteria: Invitae Variant Classification Sherloc (09022015). Collection method: clinical testing. Allele origin: germline.

CeGaT Center for Human Genetics Tuebingen
Classification: Likely benign. Last evaluated: 2025-10-01. Review status: criteria provided, single submitter. Criteria: CeGaT Center For Human Genetics Tuebingen Variant Classification Criteria Version 2. Collection method: clinical testing. Allele origin: germline. Affected: yes. Observed: 2 variant alleles.
Comment: DPAGT1: BP4, BP7

Blueprint Genetics
Classification: Likely benign. Last evaluated: 2024-08-05. Review status: criteria provided, single submitter. Criteria: ACMG Guidelines, 2015. Collection method: clinical testing. Allele origin: germline.

Illumina Laboratory Services, Illumina
Classification: Uncertain significance for DPAGT1-congenital disorder of glycosylation. Last evaluated: 2018-01-13. Review status: criteria provided, single submitter. Criteria: ICSL Variant Classification Criteria 13 December 2019. Collection method: clinical testing. Allele origin: germline.

PreventionGenetics, part of Exact Sciences
Classification: Likely benign for DPAGT1-related condition. Last evaluated: 2023-05-05. Review status: no assertion criteria provided. Collection method: clinical testing. Allele origin: germline. Not counted in ClinVar's aggregate classification.
Comment: This variant is classified as likely benign based on ACMG/AMP sequence variant interpretation guidelines (Richards et al. 2015 PMID: 25741868, with internal and published modifications).